The following is an entry in ClinVar:

ClinVar aggregate classification (germline): Conflicting classifications of pathogenicity. Review status: criteria provided, conflicting classifications (1 of 4 stars). 2 submissions from 2 submitters: Pathogenic (1); Uncertain significance (1). Last evaluated 2024-04-15.

Allele frequency attached by ClinVar (database versions not stated): gnomAD exomes below 0.00001; ExAC 0.00002; ESP Exome Variant Server 0.00008; 1000 Genomes Project 30x 0.00016; 1000 Genomes Project 0.00020.
gnomAD v4.1: 14 of 1,612,804 alleles (0.00087%); highest among the groups gnomAD compares: African/African-American, 0.011%; no homozygotes.

Submissions (2):

Labcorp Genetics (formerly Invitae), Labcorp
Classification: Pathogenic. Last evaluated: 2024-04-15. Review status: criteria provided, single submitter. Criteria: Invitae Variant Classification Sherloc (09022015). Collection method: clinical testing. Allele origin: germline.
Comment: This sequence change creates a premature translational stop signal (p.Gln1454*) in the MYO3A gene. It is expected to result in an absent or disrupted protein product. Loss-of-function variants in MYO3A are known to be pathogenic (PMID: 12032315, 23990876). This variant is present in population databases (rs369510142, gnomAD 0.02%). This variant has not been reported in the literature in individuals affected with MYO3A-related conditions. ClinVar contains an entry for this variant (Variation ID: 2579954). Algorithms developed to predict the effect of sequence changes on RNA splicing suggest that this variant may disrupt the consensus splice site. For these reasons, this variant has been classified as Pathogenic.

GeneDx
Classification: Uncertain significance. Last evaluated: 2023-09-10. Review status: criteria provided, single submitter. Criteria: GeneDx Variant Classification Process June 2021. Collection method: clinical testing. Allele origin: germline. Affected: yes.
Comment: Nonsense variant predicted to result in protein truncation or nonsense mediated decay in a gene for which loss of function is a known mechanism of disease; Has not been previously published as pathogenic or benign to our knowledge

Literature cited by the submitters: PubMed 12032315 (cited by Labcorp Genetics (formerly Invitae), Labcorp); PubMed 23990876 (cited by Labcorp Genetics (formerly Invitae), Labcorp).

NM_017433.5(MYO3A):c.4360C>T (p.Gln1454Ter)

Gene: MYO3A (myosin IIIA; plus strand). Cytogenetic location: 10p12.1.
Variant type: single nucleotide variant.
Coding change: c.4360C>T on transcript NM_017433.5 (MANE Select); coding-DNA position 4360, C replaced by T.
Protein change: p.Gln1454Ter; replaces glutamine 1454 with a stop codon.
Molecular consequence: nonsense.
Genome position (GRCh38, 1-based): chr10:26,176,767, C>T. VCF-style: chr10-26176767-C-T. GRCh37 (hg19) VCF-style: chr10-26465696-C-T.
Other names: short protein forms Q1454*.
Identifiers: ClinVar variation 2579954 (VCV002579954.4), dbSNP rs369510142, ClinGen allele CA5445435.